The following is an entry in ClinVar:

ClinVar aggregate classification (germline): Benign (1 of 4 stars; one submission).

gnomAD v4.1: 145,137 of 152,282 alleles (95%); highest among the groups gnomAD compares: East Asian, 100%; 69,570 homozygotes.

Submission:

Unidad de Genómica Garrahan, Hospital de Pediatría Garrahan
Classification: Benign. Last evaluated: 2024-07-31. Review status: criteria provided, single submitter. Criteria: ACMG Guidelines, 2015. Collection method: clinical testing. Allele origin: germline. Affected: no. Observed: 93 variant alleles.
Comment: This variant is classified as Benign based on local population frequency. This variant was detected in 100% of patients studied in a panel designed for Epileptic and Developmental Encephalopathy, Progressive Myoclonus Epilepsy and Abnormal Movements and Neurodegeneration with brain iron accumulation. Number of patients: 93. Only high quality variants are reported.

NM_183357.3(ADCY5):c.1135-37730A>G

Gene: ADCY5 (adenylate cyclase 5; minus strand). Cytogenetic location: 3q21.1.
Variant type: single nucleotide variant.
Coding change: c.1135-37730A>G on transcript NM_183357.3 (MANE Select); 37730 bases into the intron before coding-DNA position 1135, A replaced by G.
Molecular consequence: intron variant.
Genome position (GRCh38, 1-based): chr3:123,390,311, T>C on the plus strand (A>G on the coding strand, the complement: ADCY5 is on the minus strand). VCF-style: chr3-123390311-T-C. GRCh37 (hg19) VCF-style: chr3-123109158-T-C.
Other names: c.1135-37730A>G (NM_001378259.1); c.84+25873A>G (NM_001199642.1).
Identifiers: ClinVar variation 3256846 (VCV003256846.2).
Genomic context (GRCh38, chr3:123,390,311, plus strand): 5'-TCATACCTGGATGCTGTGCTAGTGGCCGGATGTCAAAGCAGCCTTTATAATCCCCTTGAT[T>C]GCCCAGTTTGGTGTCCATCTTTTGCTCACCCTAAATGAATGCCTCCACTGCGTCTTCAAG-3'